The following is an entry in ClinVar:

ClinVar aggregate classification (germline): Uncertain significance (1 of 4 stars; one submission).

Conditions:
Familial cancer of breast. Also called: BREAST CANCER, FAMILIAL; Hereditary breast cancer; hereditary breast carcinoma. Identifiers: Orphanet 227535, MedGen C0346153, MONDO:0016419, OMIM 114480. Disease mechanism: loss of function.

Submission:

Labcorp Genetics (formerly Invitae), Labcorp
Classification: Uncertain significance for Familial cancer of breast. Last evaluated: 2022-07-12. Review status: criteria provided, single submitter. Criteria: Invitae Variant Classification Sherloc (09022015). Collection method: clinical testing. Allele origin: germline.
Comment: This variant has not been reported in the literature in individuals affected with CHEK2-related conditions. In summary, the available evidence is currently insufficient to determine the role of this variant in disease. Therefore, it has been classified as a Variant of Uncertain Significance. Experimental studies and prediction algorithms are not available or were not evaluated, and the functional significance of this variant is currently unknown. This variant is not present in population databases (gnomAD no frequency). This variant, c.750_761del, is a complex sequence change that results in the deletion of 5 and insertion of 1 amino acid(s) in the CHEK2 protein (p.Ile250_Arg254delinsMet).

NM_007194.4(CHEK2):c.750_761del (p.Ile250_Arg254delinsMet)

Gene: CHEK2 (checkpoint kinase 2; minus strand). Cytogenetic location: 22q12.1.
Variant type: Deletion.
Coding change: c.750_761del on transcript NM_007194.4 (MANE Select); coding-DNA positions 750 to 761, 12 bases deleted (CATCAGCAAAAG).
Protein change: p.Ile250_Arg254delinsMet.
Molecular consequence: inframe indel.
Genome position (GRCh38, 1-based): chr22:28,711,940-28,711,951, CTTTTGCTGATG deleted on the plus strand (CATCAGCAAAAG on the coding strand, the reverse complement: CHEK2 is on the minus strand). VCF-style (leftmost placement, unchanged base first): chr22-28711939-CCTTTTGCTGATG-C. GRCh37 (hg19) VCF-style: chr22-29107927-CCTTTTGCTGATG-C.
Other names: c.879_890delCATCAGCAAAAG, p.Ile293_Arg297delinsMet (NM_001005735.3); c.87_98delCATCAGCAAAAG, p.Ile29_Arg33delinsMet (NM_001257387.3); c.549_560delCATCAGCAAAAG, p.Ile183_Arg187delinsMet (NM_001349956.3); c.750_761delCATCAGCAAAAG, p.Ile250_Arg254delinsMet (NM_145862.3).
Identifiers: ClinVar variation 2080564 (VCV002080564.4), dbSNP rs2517960522, ClinGen allele CA2580099677.